The following is an entry in ClinVar:

ClinVar aggregate classification (germline): Uncertain significance. Review status: criteria provided, multiple submitters, no conflicts (2 of 4 stars). 3 submissions from 3 submitters: Uncertain significance (3). Last evaluated 2025-04-12.

Conditions:
PITX1-related disorder. Also called: PITX1-related condition.

Allele frequency attached by ClinVar (database versions not stated): gnomAD exomes below 0.00001; gnomAD 0.00001; TOPMed 0.00001.
gnomAD v4.1: 4 of 1,614,090 alleles (0.00025%); highest among the groups gnomAD compares: East Asian, 0.0067%; no homozygotes.

Submissions (3):

Ambry Genetics
Classification: Uncertain significance. Last evaluated: 2025-04-12. Review status: criteria provided, single submitter. Criteria: Ambry Variant Classification Scheme 2023. Collection method: clinical testing. Allele origin: germline.

PreventionGenetics, part of Exact Sciences
Classification: Uncertain significance for PITX1-related condition. Last evaluated: 2023-03-31. Review status: criteria provided, single submitter. Criteria: ACMG Guidelines, 2015. Collection method: clinical testing. Allele origin: germline.
Comment: The PITX1 c.686T>C variant is predicted to result in the amino acid substitution p.Met229Thr. To our knowledge, this variant has not been reported in the literature. This variant is reported in 0.064% of alleles in individuals of East Asian descent in gnomAD. At this time, the clinical significance of this variant is uncertain due to the absence of conclusive functional and genetic evidence.

Labcorp Genetics (formerly Invitae), Labcorp
Classification: Uncertain significance. Last evaluated: 2022-09-01. Review status: criteria provided, single submitter. Criteria: Invitae Variant Classification Sherloc (09022015). Collection method: clinical testing. Allele origin: germline.
Comment: This sequence change replaces methionine, which is neutral and non-polar, with threonine, which is neutral and polar, at codon 229 of the PITX1 protein (p.Met229Thr). This variant is present in population databases (no rsID available, gnomAD 0.06%). This variant has not been reported in the literature in individuals affected with PITX1-related conditions. Algorithms developed to predict the effect of missense changes on protein structure and function (SIFT, PolyPhen-2, Align-GVGD) all suggest that this variant is likely to be disruptive. In summary, the available evidence is currently insufficient to determine the role of this variant in disease. Therefore, it has been classified as a Variant of Uncertain Significance.

NM_002653.5(PITX1):c.686T>C (p.Met229Thr)

Gene: PITX1 (paired like homeodomain 1; minus strand). Cytogenetic location: 5q31.1.
Variant type: single nucleotide variant.
Coding change: c.686T>C on transcript NM_002653.5 (MANE Select); coding-DNA position 686, T replaced by C.
Protein change: p.Met229Thr; replaces methionine 229 with threonine.
Molecular consequence: missense variant.
Genome position (GRCh38, 1-based): chr5:135,029,038, A>G on the plus strand (T>C on the coding strand, the complement: PITX1 is on the minus strand). VCF-style: chr5-135029038-A-G. GRCh37 (hg19) VCF-style: chr5-134364728-A-G.
Other names: c.686T>C (NM_002653.4); short protein forms M229T.
Identifiers: ClinVar variation 1940061 (VCV001940061.7), dbSNP rs1240871076, ClinGen allele CA361027723.